The following is an entry in ClinVar:

NM_001164508.2(NEB):c.508-1G>A

Gene: NEB (nebulin; minus strand). Cytogenetic location: 2q23.3.
Variant type: single nucleotide variant.
Coding change: c.508-1G>A on transcript NM_001164508.2 (MANE Select); the canonical splice acceptor site of the intron before coding-DNA position 508, G replaced by A.
Molecular consequence: splice acceptor variant.
Genome position (GRCh38, 1-based): chr2:151,724,365, C>T on the plus strand (G>A on the coding strand, the complement: NEB is on the minus strand). VCF-style: chr2-151724365-C-T. GRCh37 (hg19) VCF-style: chr2-152580879-C-T.
Other names: c.508-1G>A (NM_004543.5, NM_001164507.2, NM_001271208.2).
Identifiers: ClinVar variation 2008967 (VCV002008967.4), dbSNP rs2552279443, ClinGen allele CA348792416.
Genomic context (GRCh38, chr2:151,724,365, plus strand): 5'-GGCATCAGGAGGAAGCAGGTACTTATCCTTGGTGTCTTCCCAGTTCTGCTTGTATAAAAC[C>T]TAGACAGAAGGAGCAGAGGATCTGTGGCTTGAGGTCTCACCCAAAGGCATGAGGATTTAA-3'

ClinVar aggregate classification (germline): Likely pathogenic (1 of 4 stars; one submission).

Conditions:
Nemaline myopathy 2 (NEM2). Also called: Nemaline myopathy 2, autosomal recessive. Identifiers: MedGen C1850569, MONDO:0009725, OMIM 256030.

Submission:

Labcorp Genetics (formerly Invitae), Labcorp
Classification: Likely pathogenic for Nemaline myopathy 2. Last evaluated: 2021-11-27. Review status: criteria provided, single submitter. Criteria: Invitae Variant Classification Sherloc (09022015). Collection method: clinical testing. Allele origin: germline.
Comment: This sequence change affects an acceptor splice site in intron 7 of the NEB gene. It is expected to disrupt RNA splicing. Variants that disrupt the donor or acceptor splice site typically lead to a loss of protein function (PMID: 16199547), and loss-of-function variants in NEB are known to be pathogenic (PMID: 25205138). This variant is not present in population databases (gnomAD no frequency). This variant has not been reported in the literature in individuals affected with NEB-related conditions. Algorithms developed to predict the effect of sequence changes on RNA splicing suggest that this variant may disrupt the consensus splice site. In summary, the currently available evidence indicates that the variant is pathogenic, but additional data are needed to prove that conclusively. Therefore, this variant has been classified as Likely Pathogenic.

Literature cited by the submitters: PubMed 16199547; PubMed 25205138.